The following is an entry in ClinVar:

ClinVar aggregate classification (germline): Uncertain significance. Review status: criteria provided, multiple submitters, no conflicts (2 of 4 stars). 2 submissions from 2 submitters: Uncertain significance (2). Last evaluated 2025-11-25.

Allele frequency attached by ClinVar (database versions not stated): ExAC 0.00001; gnomAD 0.00001; TOPMed 0.00001; ESP Exome Variant Server 0.00015.
gnomAD v4.1: 1 of 1,613,936 alleles (0.000062%); highest among the groups gnomAD compares: African/African-American, 0.0013%; no homozygotes.

Submissions (2):

Ambry Genetics
Classification: Uncertain significance. Last evaluated: 2025-11-25. Review status: criteria provided, single submitter. Criteria: Ambry Variant Classification Scheme 2023. Collection method: clinical testing. Allele origin: germline.

Labcorp Genetics (formerly Invitae), Labcorp
Classification: Uncertain significance. Last evaluated: 2023-10-13. Review status: criteria provided, single submitter. Criteria: Invitae Variant Classification Sherloc (09022015). Collection method: clinical testing. Allele origin: germline.
Comment: This sequence change replaces proline, which is neutral and non-polar, with serine, which is neutral and polar, at codon 810 of the IL6ST protein (p.Pro810Ser). This variant is not present in population databases (gnomAD no frequency). This variant has not been reported in the literature in individuals affected with IL6ST-related conditions. Algorithms developed to predict the effect of missense changes on protein structure and function output the following: SIFT: "Not Available"; PolyPhen-2: "Benign"; Align-GVGD: "Not Available". The serine amino acid residue is found in multiple mammalian species, which suggests that this missense change does not adversely affect protein function. In summary, the available evidence is currently insufficient to determine the role of this variant in disease. Therefore, it has been classified as a Variant of Uncertain Significance.

NM_002184.4(IL6ST):c.2428C>T (p.Pro810Ser)

Gene: IL6ST (interleukin 6 cytokine family signal transducer; minus strand). Cytogenetic location: 5q11.2.
Variant type: single nucleotide variant.
Coding change: c.2428C>T on transcript NM_002184.4 (MANE Select); coding-DNA position 2428, C replaced by T.
Protein change: p.Pro810Ser; replaces proline 810 with serine.
Molecular consequence: missense variant. On other transcripts: 3 prime UTR variant (1), non-coding transcript variant (2).
Genome position (GRCh38, 1-based): chr5:55,941,411, G>A on the plus strand (C>T on the coding strand, the complement: IL6ST is on the minus strand). VCF-style: chr5-55941411-G-A. GRCh37 (hg19) VCF-style: chr5-55237239-G-A.
Other names: c.2428C>T (NM_002184.3); c.2245C>T, p.Pro749Ser (NM_001190981.2); c.2326C>T, p.Pro776Ser (NM_001364275.2); c.2218C>T, p.Pro740Ser (NM_001364276.2); c.1561C>T, p.Pro521Ser (NM_001364277.2); c.1525C>T, p.Pro509Ser (NM_001364278.2); c.1432C>T, p.Pro478Ser (NM_001364279.2); c.*1355C>T (NM_175767.3); short protein forms P776S, P740S, P478S, P509S, P521S, P749S, P810S.
Identifiers: ClinVar variation 3004594 (VCV003004594.4), dbSNP rs139862240, ClinGen allele CA3271154.